The following is an entry in ClinVar:

NM_001620.3(AHNAK):c.258G>A (p.Leu86=)

Gene: AHNAK (AHNAK nucleoprotein; minus strand). Cytogenetic location: 11q12.3.
Variant type: single nucleotide variant.
Coding change: c.258G>A on transcript NM_001620.3 (MANE Select); coding-DNA position 258, G replaced by A.
Protein change: p.Leu86=; no amino-acid change (leucine 86 retained).
Molecular consequence: synonymous variant.
Genome position (GRCh38, 1-based): chr11:62,535,087, C>T on the plus strand (G>A on the coding strand, the complement: AHNAK is on the minus strand). VCF-style: chr11-62535087-C-T. GRCh37 (hg19) VCF-style: chr11-62302559-C-T.
Other names: c.258G>A, p.Leu86= (NM_001346445.2, NM_001346446.2, NM_024060.4); c.258G>A (NM_001346446.1).
Identifiers: ClinVar variation 779940 (VCV000779940.5), dbSNP rs79854453, ClinGen allele CA6046948.

ClinVar aggregate classification (germline): Benign. Review status: criteria provided, single submitter (1 of 4 stars). 2 submissions from 2 submitters: Benign (1). 1 of the submissions does not count toward it. Last evaluated 2018-10-10.

Conditions:
AHNAK-related disorder. Also called: AHNAK-related condition.

Allele frequency attached by ClinVar (database versions not stated): TOPMed 0.00095; ExAC 0.00159; gnomAD exomes 0.00218 and 0.00050; 1000 Genomes Project 30x 0.00656; 1000 Genomes Project 0.00659; gnomAD 0.00064 and 0.00091.
gnomAD v4.1: 976 of 1,614,030 alleles (0.06%); highest among the groups gnomAD compares: East Asian, 1.7%; 17 homozygotes.

Submissions (2):

Labcorp Genetics (formerly Invitae), Labcorp
Classification: Benign. Last evaluated: 2018-10-10. Review status: criteria provided, single submitter. Criteria: Invitae Variant Classification Sherloc (09022015). Collection method: clinical testing. Allele origin: germline.

PreventionGenetics, part of Exact Sciences
Classification: Benign for AHNAK-related condition. Last evaluated: 2019-08-15. Review status: no assertion criteria provided. Collection method: clinical testing. Allele origin: germline. Not counted in ClinVar's aggregate classification.
Comment: This variant is classified as benign based on ACMG/AMP sequence variant interpretation guidelines (Richards et al. 2015 PMID: 25741868, with internal and published modifications).